The following is an entry in ClinVar:

NM_006206.6(PDGFRA):c.2269A>C (p.Ile757Leu)

Gene: PDGFRA (platelet derived growth factor receptor alpha; plus strand). Cytogenetic location: 4q12.
Variant type: single nucleotide variant.
Coding change: c.2269A>C on transcript NM_006206.6 (MANE Select); coding-DNA position 2269, A replaced by C.
Protein change: p.Ile757Leu; replaces isoleucine 757 with leucine.
Molecular consequence: missense variant.
Genome position (GRCh38, 1-based): chr4:54,280,428, A>C. VCF-style: chr4-54280428-A-C. GRCh37 (hg19) VCF-style: chr4-55146595-A-C.
Other names: c.2269A>C, p.Ile757Leu (NM_001347827.2, NM_001347829.2); c.2344A>C, p.Ile782Leu (NM_001347828.2); c.2308A>C, p.Ile770Leu (NM_001347830.2); short protein forms I770L, I782L, I757L.
Identifiers: ClinVar variation 4742191 (VCV004742191.1).

ClinVar aggregate classification (germline): Uncertain significance (1 of 4 stars; one submission).

Conditions:
Gastrointestinal stromal tumor. Also called: Gastrointestinal stromal tumor, somatic; Gastrointestinal stroma tumor. Identifiers: Orphanet 44890, MedGen C0238198, MeSH D046152, MONDO:0011719, OMIM 606764, HP:0100723.

Submission:

Labcorp Genetics (formerly Invitae), Labcorp
Classification: Uncertain significance for Gastrointestinal stromal tumor. Last evaluated: 2025-10-26. Review status: criteria provided, single submitter. Criteria: Invitae Variant Classification Sherloc (09022015). Collection method: clinical testing. Allele origin: germline.
Comment: This sequence change replaces isoleucine, which is neutral and non-polar, with leucine, which is neutral and non-polar, at codon 757 of the PDGFRA protein (p.Ile757Leu). This variant is not present in population databases (gnomAD no frequency). This variant has not been reported in the literature in individuals affected with PDGFRA-related conditions. Invitae Evidence Modeling of protein sequence and biophysical properties (such as structural, functional, and spatial information, amino acid conservation, physicochemical variation, residue mobility, and thermodynamic stability) indicates that this missense variant is not expected to disrupt PDGFRA protein function with a negative predictive value of 80%. In summary, the available evidence is currently insufficient to determine the role of this variant in disease. Therefore, it has been classified as a Variant of Uncertain Significance.